The following is an entry in ClinVar:

ClinVar aggregate classification (germline): Uncertain significance. Review status: criteria provided, multiple submitters, no conflicts (2 of 4 stars). 3 submissions from 3 submitters: Uncertain significance (3). Last evaluated 2025-08-07.

Conditions:
Hereditary cancer-predisposing syndrome. Also called: Hereditary neoplastic syndrome; Tumor predisposition; Hereditary Cancer Syndrome; Neoplastic Syndromes, Hereditary. Identifiers: Orphanet 140162, MedGen C0027672, MeSH D009386, MONDO:0015356.
Ataxia-telangiectasia syndrome (AT). Also called: Cerebello-oculocutaneous telangiectasia; Immunodeficiency with ataxia telangiectasia; Ataxia telangiectasia (A-T); Ataxia-telangiectasia, complementation group E; LOUIS-BAR SYNDROME; Ataxia-telangiectasia. Identifiers: Orphanet 100, MedGen C0004135, MONDO:0008840, OMIM 208900.

Allele frequency attached by ClinVar (database versions not stated): gnomAD exomes below 0.00001.
gnomAD v4.1: 1 of 1,606,740 alleles (0.000062%); highest among the groups gnomAD compares: Admixed American, 0.0017%; no homozygotes.

Submissions (3):

Ambry Genetics
Classification: Uncertain significance for Hereditary cancer-predisposing syndrome. Last evaluated: 2025-08-07. Review status: criteria provided, single submitter. Criteria: Ambry Variant Classification Scheme 2023. Collection method: clinical testing. Allele origin: germline.
Comment: The p.S426N variant (also known as c.1277G>A), located in coding exon 9 of the ATM gene, results from a G to A substitution at nucleotide position 1277. The serine at codon 426 is replaced by asparagine, an amino acid with highly similar properties. This amino acid position is not well conserved in available vertebrate species. In addition, this alteration is predicted to be tolerated by in silico analysis. Since supporting evidence is limited at this time, the clinical significance of this alteration remains unclear.

Labcorp Genetics (formerly Invitae), Labcorp
Classification: Uncertain significance for Ataxia-telangiectasia syndrome. Last evaluated: 2025-03-26. Review status: criteria provided, single submitter. Criteria: Invitae Variant Classification Sherloc (09022015). Collection method: clinical testing. Allele origin: germline.
Comment: This sequence change replaces serine, which is neutral and polar, with asparagine, which is neutral and polar, at codon 426 of the ATM protein (p.Ser426Asn). This variant is present in population databases (no rsID available, gnomAD no frequency). This variant has not been reported in the literature in individuals affected with ATM-related conditions. ClinVar contains an entry for this variant (Variation ID: 575686). Invitae Evidence Modeling of protein sequence and biophysical properties (such as structural, functional, and spatial information, amino acid conservation, physicochemical variation, residue mobility, and thermodynamic stability) indicates that this missense variant is not expected to disrupt ATM protein function with a negative predictive value of 95%. In summary, the available evidence is currently insufficient to determine the role of this variant in disease. Therefore, it has been classified as a Variant of Uncertain Significance.

GeneDx
Classification: Uncertain significance. Last evaluated: 2020-02-10. Review status: criteria provided, single submitter. Criteria: GeneDx Variant Classification Process June 2021. Collection method: clinical testing. Allele origin: germline. Affected: yes.
Comment: Not observe at a significant frequency in large population cohorts (Lek et al., 2016); In silico analysis supports that this missense variant does not alter protein structure/function; Has not been previously published as pathogenic or benign to our knowledge

NM_000051.4(ATM):c.1277G>A (p.Ser426Asn)

Gene: ATM (ATM serine/threonine kinase; plus strand). Cytogenetic location: 11q22.3.
Variant type: single nucleotide variant.
Coding change: c.1277G>A on transcript NM_000051.4 (MANE Select); coding-DNA position 1277, G replaced by A.
Protein change: p.Ser426Asn; replaces serine 426 with asparagine.
Molecular consequence: missense variant.
Genome position (GRCh38, 1-based): chr11:108,250,742, G>A. VCF-style: chr11-108250742-G-A. GRCh37 (hg19) VCF-style: chr11-108121469-G-A.
Other names: c.1277G>A, p.Ser426Asn (NM_001351834.2); short protein forms S426N.
Identifiers: ClinVar variation 575686 (VCV000575686.17), dbSNP rs1350528190, ClinGen allele CA382533453.